The following is an entry in ClinVar:

NM_002332.3(LRP1):c.3226A>G (p.Ile1076Val)

Gene: LRP1 (LDL receptor related protein 1; plus strand). Cytogenetic location: 12q13.3.
Variant type: single nucleotide variant.
Coding change: c.3226A>G on transcript NM_002332.3 (MANE Select); coding-DNA position 3226, A replaced by G.
Protein change: p.Ile1076Val; replaces isoleucine 1076 with valine.
Molecular consequence: missense variant.
Genome position (GRCh38, 1-based): chr12:57,173,230, A>G. VCF-style: chr12-57173230-A-G. GRCh37 (hg19) VCF-style: chr12-57567013-A-G.
Other names: short protein forms I1076V.
Identifiers: ClinVar variation 4976663 (VCV004976663.1).
Genomic context (GRCh38, chr12:57,173,230, plus strand): 5'-ACGAGGCCCCCTGGTGGCTGCCACACTGATGAGTTCCAGTGCCGGCTGGATGGACTATGC[A>G]TCCCCCTGCGGTGGCGCTGCGATGGGGACACTGACTGCATGGACTCCAGCGATGAGAAGA-3'
Protein context (NP_002323.2, residues 1066-1086): EFQCRLDGLC[Ile1076Val]PLRWRCDGDT

ClinVar aggregate classification (germline): Uncertain significance (1 of 4 stars; one submission).

Submission:

GeneDx
Classification: Uncertain significance. Last evaluated: 2023-10-23. Review status: criteria provided, single submitter. Criteria: GeneDx Variant Classification Process June 2021. Collection method: clinical testing. Allele origin: germline.
Comment: Not observed at significant frequency in large population cohorts (gnomAD); In silico analysis supports that this missense variant does not alter protein structure/function; Has not been previously published as pathogenic or benign to our knowledge; Variants in candidate genes are classified as variants of uncertain significance in accordance with ACMG guidelines (Richards et al., 2015)